The following is an entry in ClinVar:

ClinVar aggregate classification (germline): Uncertain significance. Review status: criteria provided, single submitter (1 of 4 stars). 2 submissions from 2 submitters: Uncertain significance (1). 1 of the submissions does not count toward it. Last evaluated 2021-11-29.

Conditions:
Fanconi anemia (FA). Also called: Fanconi's anemia. Identifiers: Orphanet 84, MedGen C0015625, MeSH D005199, MONDO:0019391.

gnomAD v4.1: 14 of 1,614,232 alleles (0.00087%); highest among the groups gnomAD compares: Non-Finnish European, 0.0011%; no homozygotes.

Submissions (2):

Labcorp Genetics (formerly Invitae), Labcorp
Classification: Uncertain significance for Fanconi anemia. Last evaluated: 2021-11-29. Review status: criteria provided, single submitter. Criteria: Invitae Variant Classification Sherloc (09022015). Collection method: clinical testing. Allele origin: germline.
Comment: This sequence change replaces glycine, which is neutral and non-polar, with arginine, which is basic and polar, at codon 1062 of the FANCA protein (p.Gly1062Arg). This variant is not present in population databases (gnomAD no frequency). This variant has not been reported in the literature in individuals affected with FANCA-related conditions. ClinVar contains an entry for this variant (Variation ID: 861131). Advanced modeling of protein sequence and biophysical properties (such as structural, functional, and spatial information, amino acid conservation, physicochemical variation, residue mobility, and thermodynamic stability) performed at Invitae indicates that this missense variant is not expected to disrupt FANCA protein function. In summary, the available evidence is currently insufficient to determine the role of this variant in disease. Therefore, it has been classified as a Variant of Uncertain Significance.

Natera, Inc.
Classification: Uncertain significance for Fanconi anemia. Last evaluated: 2020-10-19. Review status: no assertion criteria provided. Collection method: clinical testing. Allele origin: germline. Not counted in ClinVar's aggregate classification.

NM_000135.4(FANCA):c.3184G>C (p.Gly1062Arg)

Gene: FANCA (FA complementation group A; minus strand). Cytogenetic location: 16q24.3.
Variant type: single nucleotide variant.
Coding change: c.3184G>C on transcript NM_000135.4 (MANE Select); coding-DNA position 3184, G replaced by C.
Protein change: p.Gly1062Arg; replaces glycine 1062 with arginine.
Molecular consequence: missense variant.
Genome position (GRCh38, 1-based): chr16:89,749,785, C>G on the plus strand (G>C on the coding strand, the complement: FANCA is on the minus strand). VCF-style: chr16-89749785-C-G. GRCh37 (hg19) VCF-style: chr16-89816193-C-G.
Other names: c.3184G>C, p.Gly1062Arg (NM_001286167.3); short protein forms G1062R.
Identifiers: ClinVar variation 861131 (VCV000861131.7), dbSNP rs142379991, ClinGen allele CA397486529.